The following is an entry in ClinVar:

NM_000274.4(OAT):c.1300A>G (p.Lys434Glu)

Gene: OAT (ornithine aminotransferase; minus strand). Cytogenetic location: 10q26.13.
Variant type: single nucleotide variant.
Coding change: c.1300A>G on transcript NM_000274.4 (MANE Select); coding-DNA position 1300, A replaced by G.
Protein change: p.Lys434Glu; replaces lysine 434 with glutamic acid.
Molecular consequence: missense variant.
Genome position (GRCh38, 1-based): chr10:124,397,962, T>C on the plus strand (A>G on the coding strand, the complement: OAT is on the minus strand). VCF-style: chr10-124397962-T-C. GRCh37 (hg19) VCF-style: chr10-126086531-T-C.
Other names: c.1300A>G, p.Lys434Glu (NM_001322966.2, NM_001322967.2, NM_001322968.2 and 3 more transcripts); c.979A>G, p.Lys327Glu (NM_001322971.2); c.886A>G, p.Lys296Glu (NM_001171814.2); c.700A>G, p.Lys234Glu (NM_001322974.2); short protein forms K327E, K234E, K296E, K434E.
Identifiers: ClinVar variation 2081098 (VCV002081098.3), dbSNP rs200785094, ClinGen allele CA5733274.

ClinVar aggregate classification (germline): Uncertain significance. Review status: criteria provided, multiple submitters, no conflicts (2 of 4 stars). 3 submissions from 3 submitters: Uncertain significance (3). Last evaluated 2024-12-15.

Conditions:
Inborn genetic diseases. Identifiers: MedGen C0950123, MeSH D030342.
Ornithine aminotransferase deficiency (GACR). Also called: HYPERORNITHINEMIA WITH GYRATE ATROPHY OF CHOROID AND RETINA; OKT DEFICIENCY; OAT DEFICIENCY; Ornithine ketoacid aminotransferase deficiency; Gyrate atrophy; Gyrate atrophy of choroid and retina. Identifiers: Orphanet 414, MedGen C0018425, MONDO:0009796, OMIM 258870.

Allele frequency attached by ClinVar (database versions not stated): TOPMed 0.00001; ExAC 0.00002; gnomAD exomes 0.00004; ESP Exome Variant Server 0.00008.
gnomAD v4.1: 64 of 1,613,812 alleles (0.004%); highest among the groups gnomAD compares: Non-Finnish European, 0.0052%; no homozygotes.

Submissions (3):

Ambry Genetics
Classification: Uncertain significance for Inborn genetic diseases. Last evaluated: 2024-12-15. Review status: criteria provided, single submitter. Criteria: Ambry Variant Classification Scheme 2023. Collection method: clinical testing. Allele origin: germline.

Blueprint Genetics
Classification: Uncertain significance. Last evaluated: 2022-07-27. Review status: criteria provided, single submitter. Criteria: ACMG Guidelines, 2015. Collection method: clinical testing. Allele origin: germline.

Labcorp Genetics (formerly Invitae), Labcorp
Classification: Uncertain significance for Ornithine aminotransferase deficiency. Last evaluated: 2021-08-13. Review status: criteria provided, single submitter. Criteria: Invitae Variant Classification Sherloc (09022015). Collection method: clinical testing. Allele origin: germline.
Comment: This sequence change replaces lysine with glutamic acid at codon 434 of the OAT protein (p.Lys434Glu). The lysine residue is moderately conserved and there is a small physicochemical difference between lysine and glutamic acid. This variant is present in population databases (rs200785094, ExAC 0.003%). This variant has not been reported in the literature in individuals affected with OAT-related conditions. Algorithms developed to predict the effect of missense changes on protein structure and function are either unavailable or do not agree on the potential impact of this missense change (SIFT: "Deleterious"; PolyPhen-2: "Benign"; Align-GVGD: "Class C0"). In summary, the available evidence is currently insufficient to determine the role of this variant in disease. Therefore, it has been classified as a Variant of Uncertain Significance.